The following is an entry in ClinVar:

ClinVar aggregate classification (germline): Uncertain significance (1 of 4 stars; one submission).

Conditions:
Distal myopathy with posterior leg and anterior hand involvement. Also called: WILLIAMS DISTAL MYOPATHY. Identifiers: Orphanet 63273, MedGen C3279722, MONDO:0013550, OMIM 614065.
Hypertrophic cardiomyopathy 26. Also called: Cardiomyopathy, familial hypertrophic, 26. Identifiers: Orphanet 75249, MedGen C4310749, MONDO:0014883, OMIM 617047.
Myofibrillar myopathy 5. Also called: Filaminopathy (type); FILAMINOPATHY, AUTOSOMAL DOMINANT. Identifiers: Orphanet 171445, MedGen C1836050, MONDO:0012289, OMIM 609524.

Submission:

Labcorp Genetics (formerly Invitae), Labcorp
Classification: Uncertain significance for Distal myopathy with posterior leg and anterior hand involvement; Myofibrillar myopathy 5; Hypertrophic cardiomyopathy 26. Last evaluated: 2024-11-13. Review status: criteria provided, single submitter. Criteria: Invitae Variant Classification Sherloc (09022015). Collection method: clinical testing. Allele origin: germline.
Comment: This sequence change replaces serine, which is neutral and polar, with arginine, which is basic and polar, at codon 78 of the FLNC protein (p.Ser78Arg). This variant is not present in population databases (gnomAD no frequency). This variant has not been reported in the literature in individuals affected with FLNC-related conditions. Invitae Evidence Modeling of protein sequence and biophysical properties (such as structural, functional, and spatial information, amino acid conservation, physicochemical variation, residue mobility, and thermodynamic stability) has been performed for this missense variant. However, the output from this modeling did not meet the statistical confidence thresholds required to predict the impact of this variant on FLNC protein function. In summary, the available evidence is currently insufficient to determine the role of this variant in disease. Therefore, it has been classified as a Variant of Uncertain Significance.

NM_001458.5(FLNC):c.234C>A (p.Ser78Arg)

Gene: FLNC (filamin C; plus strand). Cytogenetic location: 7q32.1.
Variant type: single nucleotide variant.
Coding change: c.234C>A on transcript NM_001458.5 (MANE Select); coding-DNA position 234, C replaced by A.
Protein change: p.Ser78Arg; replaces serine 78 with arginine.
Molecular consequence: missense variant.
Genome position (GRCh38, 1-based): chr7:128,830,871, C>A. VCF-style: chr7-128830871-C-A. GRCh37 (hg19) VCF-style: chr7-128470925-C-A.
Other names: c.234C>A, p.Ser78Arg (NM_001127487.2); short protein forms S78R.
Identifiers: ClinVar variation 3758899 (VCV003758899.2).